The following is an entry in ClinVar:

NC_000005.9:g.(?_94813974)_(94820569_?)del

Gene: SKIC3 (SKI3 subunit of superkiller complex; minus strand). Cytogenetic location: 5q15.
Variant type: Deletion.
Identifiers: ClinVar variation 3246519 (VCV003246519.1).

ClinVar aggregate classification (germline): Pathogenic (1 of 4 stars; one submission).

Submission:

Labcorp Genetics (formerly Invitae), Labcorp
Classification: Pathogenic. Last evaluated: 2023-10-08. Review status: criteria provided, single submitter. Criteria: Invitae Variant Classification Sherloc (09022015). Collection method: clinical testing. Allele origin: unknown.
Comment: This variant is a gross deletion of the genomic region encompassing exon(s) 38-40 of the TTC37 gene. This deletion is out-of-frame, and is expected to create a premature termination codon and result in an absent or disrupted protein product. Loss-of-function variants in TTC37 are known to be pathogenic (PMID: 20176027, 21120949). This variant has not been reported in the literature in individuals affected with TTC37-related conditions. For these reasons, this variant has been classified as Pathogenic.

Literature cited by the submitters: PubMed 20176027; PubMed 21120949.